The following is an entry in ClinVar:

ClinVar aggregate classification (germline): Likely benign (0 of 4 stars; one submission).

Conditions:
TP53BP2-related disorder. Also called: TP53BP2-related condition.

Allele frequency attached by ClinVar (database versions not stated): 1000 Genomes Project 30x 0.00016; 1000 Genomes Project 0.00020.
gnomAD v4.1: 299 of 1,587,614 alleles (0.019%); highest among the groups gnomAD compares: Admixed American, 0.085%; 2 homozygotes.

Submission:

PreventionGenetics, part of Exact Sciences
Classification: Likely benign for TP53BP2-related condition. Last evaluated: 2019-03-14. Review status: no assertion criteria provided. Collection method: clinical testing. Allele origin: germline.
Comment: This variant is classified as likely benign based on ACMG/AMP sequence variant interpretation guidelines (Richards et al. 2015 PMID: 25741868, with internal and published modifications).

NM_001031685.3(TP53BP2):c.1486-4A>G

Gene: TP53BP2 (tumor protein p53 binding protein 2; minus strand). Cytogenetic location: 1q41.
Variant type: single nucleotide variant.
Coding change: c.1486-4A>G on transcript NM_001031685.3 (MANE Select); 4 bases into the intron before coding-DNA position 1486, A replaced by G.
Molecular consequence: intron variant.
Genome position (GRCh38, 1-based): chr1:223,798,681, T>C on the plus strand (A>G on the coding strand, the complement: TP53BP2 is on the minus strand). VCF-style: chr1-223798681-T-C. GRCh37 (hg19) VCF-style: chr1-223986383-T-C.
Other names: c.1099-4A>G (NM_005426.3).
Identifiers: ClinVar variation 3057760 (VCV003057760.2), dbSNP rs535172288, ClinGen allele CA1412797.